The following is an entry in ClinVar:

ClinVar aggregate classification (germline): Likely pathogenic (1 of 4 stars; one submission).

Conditions:
Acute infantile liver failure due to synthesis defect of mtDNA-encoded proteins. Also called: LIVER FAILURE, INFANTILE, TRANSIENT; Liver failure acute infantile; TRMU Deficiency. Identifiers: Orphanet 217371, MedGen C3278664, MONDO:0013111, OMIM 613070.

Allele frequency attached by ClinVar (database versions not stated): TOPMed below 0.00001.

Submission:

Women's Health and Genetics/Laboratory Corporation of America, LabCorp
Classification: Likely pathogenic for Acute infantile liver failure due to synthesis defect of mtDNA-encoded proteins. Last evaluated: 2022-09-17. Review status: criteria provided, single submitter. Criteria: LabCorp Variant Classification Summary - May 2015. Collection method: clinical testing. Allele origin: germline.
Comment: Variant summary: NBAS c.2764-1G>C is located in a canonical splice-site and is predicted to affect mRNA splicing resulting in a significantly altered protein due to either exon skipping, shortening, or inclusion of intronic material. Several computational tools predict a significant impact on normal splicing: Four predict the variant abolishes a canonical 3' acceptor site and two predict the variant creates a 3' acceptor site located 9 nucleotides downstream of the canonical 3' acceptor site. However, these predictions have yet to be confirmed by functional studies. The variant was absent in 251236 control chromosomes (gnomAD). To our knowledge, no occurrence of c.2764-1G>C in individuals affected with Liver Failure Acute Infantile, Type 2 and no experimental evidence demonstrating its impact on protein function have been reported. No clinical diagnostic laboratories have submitted clinical-significance assessments for this variant to ClinVar after 2014. Based on the evidence outlined above, the variant was classified as likely pathogenic.

NM_015909.4(NBAS):c.2764-1G>C

Gene: NBAS (NBAS subunit of NRZ tethering complex; minus strand). Cytogenetic location: 2p24.3.
Variant type: single nucleotide variant.
Coding change: c.2764-1G>C on transcript NM_015909.4 (MANE Select); the canonical splice acceptor site of the intron before coding-DNA position 2764, G replaced by C.
Molecular consequence: splice acceptor variant.
Genome position (GRCh38, 1-based): chr2:15,415,720, C>G on the plus strand (G>C on the coding strand, the complement: NBAS is on the minus strand). VCF-style: chr2-15415720-C-G. GRCh37 (hg19) VCF-style: chr2-15555844-C-G.
Identifiers: ClinVar variation 1722434 (VCV001722434.1), dbSNP rs1676898074, ClinGen allele CA345886004.